The following is an entry in ClinVar:

ClinVar aggregate classification (germline): Uncertain significance (1 of 4 stars; one submission).

Conditions:
Hereditary cancer-predisposing syndrome. Also called: Hereditary Cancer Syndrome; Neoplastic Syndromes, Hereditary; Tumor predisposition; Hereditary neoplastic syndrome. Identifiers: Orphanet 140162, MedGen C0027672, MeSH D009386, MONDO:0015356.

gnomAD v4.1: 1 of 1,613,984 alleles (0.000062%); highest among the groups gnomAD compares: African/African-American, 0.0013%; no homozygotes.

Submission:

Ambry Genetics
Classification: Uncertain significance for Hereditary cancer-predisposing syndrome. Last evaluated: 2026-08-11. Review status: criteria provided, single submitter. Criteria: Ambry Variant Classification Scheme 2023. Collection method: clinical testing. Allele origin: germline.
Comment: The p.E1137G variant (also known as c.3410A>G), located in coding exon 28 of the EGFR gene, results from an A to G substitution at nucleotide position 3410. The glutamic acid at codon 1137 is replaced by glycine, an amino acid with similar properties. This amino acid position is conserved. In addition, the in silico prediction for this alteration is inconclusive. Based on the available evidence, the clinical significance of this variant remains unclear.

NM_005228.5(EGFR):c.3410A>G (p.Glu1137Gly)

Gene: EGFR (epidermal growth factor receptor; plus strand). Cytogenetic location: 7p11.2.
Variant type: single nucleotide variant.
Coding change: c.3410A>G on transcript NM_005228.5 (MANE Select); coding-DNA position 3410, A replaced by G.
Protein change: p.Glu1137Gly; replaces glutamic acid 1137 with glycine.
Molecular consequence: missense variant.
Genome position (GRCh38, 1-based): chr7:55,205,394, A>G. VCF-style: chr7-55205394-A-G. GRCh37 (hg19) VCF-style: chr7-55273087-A-G.
Other names: c.3251A>G, p.Glu1084Gly (NM_001346900.2); c.2609A>G, p.Glu870Gly (NM_001346941.2); c.3275A>G, p.Glu1092Gly (NM_001346899.2); short protein forms E1137G, E870G, E1084G, E1092G.
Identifiers: ClinVar variation 5035818 (VCV005035818.1).